The following is an entry in ClinVar:

ClinVar aggregate classification (germline): Uncertain significance. Review status: criteria provided, multiple submitters, no conflicts (2 of 4 stars). 5 submissions from 5 submitters: Uncertain significance (5). Last evaluated 2025-07-24.

Conditions:
Fanconi anemia (FA). Also called: Fanconi's anemia. Identifiers: Orphanet 84, MedGen C0015625, MeSH D005199, MONDO:0019391.
Fanconi anemia complementation group C (FANCC). Also called: Fanconi anemia, group C; FANCONI PANCYTOPENIA, TYPE 3; FACC; FANCC-Related Fanconi Anemia. Identifiers: Orphanet 84, MedGen C3468041, MONDO:0009213, OMIM 227645.
Hereditary cancer-predisposing syndrome. Also called: Hereditary Cancer Syndrome; Tumor predisposition; Neoplastic Syndromes, Hereditary; Hereditary neoplastic syndrome. Identifiers: Orphanet 140162, MedGen C0027672, MeSH D009386, MONDO:0015356.

Allele frequency attached by ClinVar (database versions not stated): gnomAD 0.00001; TOPMed 0.00002; ESP Exome Variant Server 0.00008.
gnomAD v4.1: 2 of 1,613,752 alleles (0.00012%); highest among the groups gnomAD compares: African/African-American, 0.0027%; no homozygotes.

Submissions (5):

Quest Diagnostics Nichols Institute San Juan Capistrano
Classification: Uncertain significance. Last evaluated: 2025-07-24. Review status: criteria provided, single submitter. Criteria: Quest Diagnostics criteria. Collection method: clinical testing. Allele origin: unknown.
Comment: The FANCC c.209T>A (p.Leu70Gln) variant has not been reported in individuals with FANCC-related conditions in the published literature. The frequency of this variant in the general population (Genome Aggregation Database) is uninformative in the assessment of its pathogenicity. Analysis of this variant using bioinformatics tools for the prediction of the effect of amino acid changes on protein structure and function yielded conflicting predictions that this variant is benign or damaging. Based on the available information, we are unable to determine the clinical significance of this variant.

Ambry Genetics
Classification: Uncertain significance for Hereditary cancer-predisposing syndrome. Last evaluated: 2025-07-02. Review status: criteria provided, single submitter. Criteria: Ambry Variant Classification Scheme 2023. Collection method: clinical testing. Allele origin: germline.
Comment: The p.L70Q variant (also known as c.209T>A), located in coding exon 2 of the FANCC gene, results from a T to A substitution at nucleotide position 209. The leucine at codon 70 is replaced by glutamine, an amino acid with dissimilar properties. This amino acid position is highly conserved in available vertebrate species. In addition, this alteration is predicted to be deleterious by in silico analysis. Since supporting evidence is limited at this time, the clinical significance of this alteration remains unclear.

GeneDx
Classification: Uncertain significance. Last evaluated: 2023-08-17. Review status: criteria provided, single submitter. Criteria: GeneDx Variant Classification Process June 2021. Collection method: clinical testing. Allele origin: germline. Affected: yes.
Comment: In silico analysis supports that this missense variant has a deleterious effect on protein structure/function; Has not been previously published as pathogenic or benign to our knowledge; This variant is associated with the following publications: (PMID: Gordon2000[Book])

Labcorp Genetics (formerly Invitae), Labcorp
Classification: Uncertain significance for Fanconi anemia. Last evaluated: 2023-02-11. Review status: criteria provided, single submitter. Criteria: Invitae Variant Classification Sherloc (09022015). Collection method: clinical testing. Allele origin: germline.
Comment: ClinVar contains an entry for this variant (Variation ID: 863907). In summary, the available evidence is currently insufficient to determine the role of this variant in disease. Therefore, it has been classified as a Variant of Uncertain Significance. Advanced modeling of protein sequence and biophysical properties (such as structural, functional, and spatial information, amino acid conservation, physicochemical variation, residue mobility, and thermodynamic stability) performed at Invitae indicates that this missense variant is expected to disrupt FANCC protein function. This variant has not been reported in the literature in individuals affected with FANCC-related conditions. This variant is present in population databases (rs150174412, gnomAD 0.007%). This sequence change replaces leucine, which is neutral and non-polar, with glutamine, which is neutral and polar, at codon 70 of the FANCC protein (p.Leu70Gln).

Fulgent Genetics
Classification: Uncertain significance for Fanconi anemia complementation group C. Last evaluated: 2021-11-02. Review status: criteria provided, single submitter. Criteria: ACMG Guidelines, 2015. Collection method: clinical testing. Allele origin: unknown.

NM_000136.3(FANCC):c.209T>A (p.Leu70Gln)

Gene: FANCC (FA complementation group C; minus strand). Cytogenetic location: 9q22.32.
Variant type: single nucleotide variant.
Coding change: c.209T>A on transcript NM_000136.3 (MANE Select); coding-DNA position 209, T replaced by A.
Protein change: p.Leu70Gln; replaces leucine 70 with glutamine.
Molecular consequence: missense variant.
Genome position (GRCh38, 1-based): chr9:95,247,473, A>T on the plus strand (T>A on the coding strand, the complement: FANCC is on the minus strand). VCF-style: chr9-95247473-A-T. GRCh37 (hg19) VCF-style: chr9-98009755-A-T.
Other names: c.209T>A, p.Leu70Gln (NM_001243743.2, NM_001243744.2); short protein forms L70Q.
Identifiers: ClinVar variation 863907 (VCV000863907.16), dbSNP rs150174412, ClinGen allele CA5137804.